The following is an entry in ClinVar:

ClinVar aggregate classification (germline): Likely benign. Review status: criteria provided, multiple submitters, no conflicts (2 of 4 stars). 3 submissions from 3 submitters: Likely benign (3). Last evaluated 2026-08-01.

Conditions:
Inborn genetic diseases. Identifiers: MedGen C0950123, MeSH D030342.
Developmental and epileptic encephalopathy, 8 (DEE8). Also called: HYPEREKPLEXIA AND EPILEPSY. Identifiers: Orphanet 163985, Orphanet 2076, MedGen C1845102, MONDO:0010375, OMIM 300607.

Allele frequency attached by ClinVar (database versions not stated): gnomAD exomes 0.00002; TOPMed 0.00002; ExAC 0.00004.

Submissions (3):

CeGaT Center for Human Genetics Tuebingen
Classification: Likely benign. Last evaluated: 2026-08-01. Review status: criteria provided, single submitter. Criteria: CeGaT Center For Human Genetics Tuebingen Variant Classification Criteria Version 2. Collection method: clinical testing. Allele origin: germline. Affected: yes. Observed: 1 variant allele.
Comment: ARHGEF9: BP4, BP7, BS2

Labcorp Genetics (formerly Invitae), Labcorp
Classification: Likely benign for Developmental and epileptic encephalopathy, 8. Last evaluated: 2025-12-25. Review status: criteria provided, single submitter. Criteria: Invitae Variant Classification Sherloc (09022015). Collection method: clinical testing. Allele origin: germline.

Ambry Genetics
Classification: Likely benign for Inborn genetic diseases. Last evaluated: 2015-06-19. Review status: criteria provided, single submitter. Criteria: Ambry Variant Classification Scheme 2023. Collection method: clinical testing. Allele origin: germline.

NM_001353921.2(ARHGEF9):c.1452C>T (p.His484=)

Gene: ARHGEF9 (Cdc42 guanine nucleotide exchange factor 9; minus strand). Cytogenetic location: Xq11.1.
Variant type: single nucleotide variant.
Coding change: c.1452C>T on transcript NM_001353921.2 (MANE Select); coding-DNA position 1452, C replaced by T.
Protein change: p.His484=; no amino-acid change (histidine 484 retained).
Molecular consequence: synonymous variant. On other transcripts: 3 prime UTR variant (2).
Genome position (GRCh38, 1-based): chrX:63,638,148, G>A on the plus strand (C>T on the coding strand, the complement: ARHGEF9 is on the minus strand). VCF-style: chrX-63638148-G-A. GRCh37 (hg19) VCF-style: chrX-62858028-G-A.
Other names: c.1272C>T, p.His424= (NM_001173479.2); c.1125C>T, p.His375= (NM_001173480.2, NM_001369042.1); c.1368C>T, p.His456= (NM_001330495.2, NM_001369033.1, NM_001369034.1 and 4 more transcripts); c.1320C>T, p.His440= (NM_001353922.2); c.1470C>T, p.His490= (NM_001353923.1); c.1251C>T, p.His417= (NM_001353924.2, NM_001353926.2, NM_001369039.1 and 1 more transcripts); c.1236C>T, p.His412= (NM_001353927.2, NM_001369041.1); c.1299C>T, p.His433= (NM_001353928.2); and 3 more.
Identifiers: ClinVar variation 1590711 (VCV001590711.11), dbSNP rs782395885, ClinGen allele CA10431807.
Genomic context (GRCh38, chrX:63,638,148, plus strand): 5'-GGGTTCGGTGAACTCAAAGACCTGCGACTGAGCGATGCCGTCGGGGACCAGGTACTGGCC[G>A]TGGTTTAACGGGTCCTGCGGTGGTGGGTAGGAAGGAGGAACTGAGCGGGCAGAGTTGACA-3'
Protein context (NP_001340850.1, residues 474-494): SYPPPQDPLN[His484=]GQYLVPDGIA